The following is an entry in ClinVar:

NM_020921.4(NIN):c.6055A>G (p.Thr2019Ala)

Gene: NIN (ninein; minus strand). Cytogenetic location: 14q22.1.
Variant type: single nucleotide variant.
Coding change: c.6055A>G on transcript NM_020921.4 (MANE Select); coding-DNA position 6055, A replaced by G.
Protein change: p.Thr2019Ala; replaces threonine 2019 with alanine.
Molecular consequence: missense variant.
Genome position (GRCh38, 1-based): chr14:50,729,546, T>C on the plus strand (A>G on the coding strand, the complement: NIN is on the minus strand). VCF-style: chr14-50729546-T-C. GRCh37 (hg19) VCF-style: chr14-51196264-T-C.
Other names: c.3916A>G, p.Thr1306Ala (NM_016350.5); c.6055A>G, p.Thr2019Ala (NM_182944.3, NM_182946.2); c.6055A>G (NM_020921.3); short protein forms T2019A, T1306A.
Identifiers: ClinVar variation 2182096 (VCV002182096.5), dbSNP rs375970127, ClinGen allele CA7181054.
Genomic context (GRCh38, chr14:50,729,546, plus strand): 5'-TAACAGGTGATCTACTAGAGTAGAGAGAGCTTCATACCTGTGGTGTGTTGGTTTCGGAGG[T>C]CCTGTTTTCAAGTTCCTCCTGCAGGTGCTGGTTTATCCTTTCTGCCTGCAGCAGCTGGCG-3'
Protein context (NP_065972.4, residues 2009-2029): QHLQEELENR[Thr2019Ala]SETNTPQGNQ

ClinVar aggregate classification (germline): Uncertain significance. Review status: criteria provided, multiple submitters, no conflicts (2 of 4 stars). 2 submissions from 2 submitters: Uncertain significance (2). Last evaluated 2025-07-14.

Allele frequency attached by ClinVar (database versions not stated): gnomAD 0.00002; gnomAD exomes 0.00002; TOPMed 0.00003; ExAC 0.00004; ESP Exome Variant Server 0.00015.
gnomAD v4.1: 30 of 1,613,608 alleles (0.0019%); highest among the groups gnomAD compares: Non-Finnish European, 0.0011%; no homozygotes.

Submissions (2):

Labcorp Genetics (formerly Invitae), Labcorp
Classification: Uncertain significance. Last evaluated: 2025-07-14. Review status: criteria provided, single submitter. Criteria: Invitae Variant Classification Sherloc (09022015). Collection method: clinical testing. Allele origin: germline.
Comment: This sequence change replaces threonine, which is neutral and polar, with alanine, which is neutral and non-polar, at codon 2019 of the NIN protein (p.Thr2019Ala). This variant is present in population databases (rs375970127, gnomAD 0.06%). This variant has not been reported in the literature in individuals affected with NIN-related conditions. ClinVar contains an entry for this variant (Variation ID: 2182096). An algorithm developed to predict the effect of missense changes on protein structure and function outputs the following: PolyPhen-2: "Benign". The alanine amino acid residue is found in multiple mammalian species, which suggests that this missense change does not adversely affect protein function. In summary, the available evidence is currently insufficient to determine the role of this variant in disease. Therefore, it has been classified as a Variant of Uncertain Significance.

Ambry Genetics
Classification: Uncertain significance. Last evaluated: 2024-09-30. Review status: criteria provided, single submitter. Criteria: Ambry Variant Classification Scheme 2023. Collection method: clinical testing. Allele origin: germline.